The following is an entry in ClinVar:

NM_001042492.3(NF1):c.442A>C (p.Asn148His)

Gene: NF1 (neurofibromin 1; plus strand). Cytogenetic location: 17q11.2.
Variant type: single nucleotide variant.
Coding change: c.442A>C on transcript NM_001042492.3 (MANE Select); coding-DNA position 442, A replaced by C.
Protein change: p.Asn148His; replaces asparagine 148 with histidine.
Molecular consequence: missense variant.
Genome position (GRCh38, 1-based): chr17:31,163,339, A>C. VCF-style: chr17-31163339-A-C. GRCh37 (hg19) VCF-style: chr17-29490357-A-C.
Other names: c.442A>C, p.Asn148His (NM_000267.4, NM_001128147.3); short protein forms N148H.
Identifiers: ClinVar variation 4860910 (VCV004860910.1).
Genomic context (GRCh38, chr17:31,163,339, plus strand): 5'-AACCAGCATGCAGCTGAACTTCGGAATTCTGCCTCTGGGGTTTTATTTTCTCTCAGCTGC[A>C]ACAACTTCAATGCAGTCTTTAGTCGCATTTCTACCAGGTTAGTGTGTAAATCCACATGGG-3'
Protein context (NP_001035957.1, residues 138-158): ASGVLFSLSC[Asn148His]NFNAVFSRIS

ClinVar aggregate classification (germline): Uncertain significance (1 of 4 stars; one submission).

Conditions:
Cardiovascular phenotype. Identifiers: MedGen CN230736.
Hereditary cancer-predisposing syndrome. Also called: Neoplastic Syndromes, Hereditary; Tumor predisposition; Hereditary Cancer Syndrome; Hereditary neoplastic syndrome. Identifiers: Orphanet 140162, MedGen C0027672, MeSH D009386, MONDO:0015356.

Submission:

Ambry Genetics
Classification: Uncertain significance for Cardiovascular phenotype; Hereditary cancer-predisposing syndrome. Last evaluated: 2026-04-15. Review status: criteria provided, single submitter. Criteria: Ambry Variant Classification Scheme 2023. Collection method: clinical testing. Allele origin: germline.
Comment: The p.N148H variant (also known as c.442A>C), located in coding exon 4 of the NF1 gene, results from an A to C substitution at nucleotide position 442. The asparagine at codon 148 is replaced by histidine, an amino acid with similar properties. This amino acid position is highly conserved in available vertebrate species. In addition, the in silico prediction for this alteration is inconclusive. Based on the available evidence, the clinical significance of this variant remains unclear.